The following is an entry in ClinVar:

ClinVar aggregate classification (germline): Conflicting classifications of pathogenicity. Review status: criteria provided, conflicting classifications (1 of 4 stars). 5 submissions from 5 submitters: Pathogenic (2); Likely pathogenic (2); Uncertain significance (1). Last evaluated 2025-11-10.

Conditions:
FHL1-related disorder. Also called: FHL1-related disorders; FHL1-related condition.
Cardiovascular phenotype. Identifiers: MedGen CN230736.
X-linked myopathy with postural muscle atrophy. Also called: FHL1-Related Emery-Dreifuss Muscular Dystrophy, X-Linked. Identifiers: Orphanet 178461, MedGen C2678055, MONDO:0010401, OMIM 300696.

Allele frequency attached by ClinVar (database versions not stated): gnomAD 0.00001; TOPMed 0.00001.
gnomAD v4.1: 1 of 1,208,776 alleles (0.000083%); highest among the groups gnomAD compares: Non-Finnish European, 0.00011%; no homozygotes.

Submissions (5):

GeneDx
Classification: Likely pathogenic. Last evaluated: 2025-11-10. Review status: criteria provided, single submitter. Criteria: GeneDx Variant Classification Process June 2021. Collection method: clinical testing. Allele origin: germline. Affected: yes.
Comment: Not observed at significant frequency in large population cohorts (gnomAD); In silico analysis supports that this missense variant has a deleterious effect on protein structure/function; This variant is associated with the following publications: (PMID: 29926425, 25246303, 26857240, 25965631, Marco2022[Abstract], 33673806, Borrelli2022[Poster], 36291626, Aohara2022[CaseReport], 39472908)

Labcorp Genetics (formerly Invitae), Labcorp
Classification: Pathogenic for X-linked myopathy with postural muscle atrophy. Last evaluated: 2025-09-23. Review status: criteria provided, single submitter. Criteria: Invitae Variant Classification Sherloc (09022015). Collection method: clinical testing. Allele origin: germline.
Comment: This sequence change replaces cysteine, which is neutral and slightly polar, with serine, which is neutral and polar, at codon 255 of the FHL1 protein (p.Cys255Ser). This variant is not present in population databases (gnomAD no frequency). This missense change has been observed in individual(s) with Emery-Dreifuss muscular dystrophy, hypertrophic cardiomyopathy, and distal myopathy (PMID: 25246303, 26857240). It has also been observed to segregate with disease in related individuals. ClinVar contains an entry for this variant (Variation ID: 222635). An algorithm developed to predict the effect of missense changes on protein structure and function (PolyPhen-2) suggests that this variant is likely to be disruptive. For these reasons, this variant has been classified as Pathogenic.

Ambry Genetics
Classification: Likely pathogenic for Cardiovascular phenotype. Last evaluated: 2024-12-02. Review status: criteria provided, single submitter. Criteria: Ambry Variant Classification Scheme 2023. Collection method: clinical testing. Allele origin: germline.
Comment: The p.C255S variant (also known as c.764G>C), located in coding exon 5 of the FHL1 gene, results from a G to C substitution at nucleotide position 764. The cysteine at codon 255 is replaced by serine, an amino acid with dissimilar properties. This alteration has been reported in individuals affected with FHL1-related disease and has been shown to segregate with disease in family members (D'Arcy C et al. J Child Neurol, 2015 Aug;30:1211-7; San Rom&aacute;n I et al. Clin Genet, 2016 Aug;90:171-6; Hathaway J et al. BMC Cardiovasc Disord, 2021 Mar;21:126; Mazzaccara C et al. Biomolecules, 2022 Oct;12:). This variant is considered to be rare based on population cohorts in the Genome Aggregation Database (gnomAD). This amino acid position is highly conserved in available vertebrate species. In addition, this alteration is predicted to be deleterious by in silico analysis. Based on the supporting evidence, this variant is expected to be causative of FHL1-related myopathy with hypertrophy; however, its clinical significance for FHL1-related reducing body myopathy is unclear.

Blueprint Genetics
Classification: Pathogenic for FHL1-related disorders. Last evaluated: 2024-06-13. Review status: criteria provided, single submitter. Criteria: ACMG Guidelines, 2015. Collection method: clinical testing. Allele origin: germline. Affected: yes. Observed: 1 variant allele.

Eurofins Ntd Llc (ga)
Classification: Uncertain significance. Last evaluated: 2016-01-22. Review status: criteria provided, single submitter. Criteria: EGL Classification Definitions 2015. Collection method: clinical testing. Allele origin: germline. Observed: 1 variant allele, 1 hemizygote.

Literature cited by the submitters: PubMed 25246303 (cited by Labcorp Genetics (formerly Invitae), Labcorp and Ambry Genetics); PubMed 26857240 (cited by Labcorp Genetics (formerly Invitae), Labcorp and Ambry Genetics); PubMed 25965631 (cited by Ambry Genetics); PubMed 33673806 (cited by Ambry Genetics); PubMed 36291626 (cited by Ambry Genetics).

NM_001159699.2(FHL1):c.812G>C (p.Cys271Ser)

Gene: FHL1 (four and a half LIM domains 1; plus strand). Cytogenetic location: Xq26.3.
Variant type: single nucleotide variant.
Coding change: c.812G>C on transcript NM_001159699.2 (MANE Select); coding-DNA position 812, G replaced by C.
Protein change: p.Cys271Ser; replaces cysteine 271 with serine.
Molecular consequence: missense variant. On other transcripts: non-coding transcript variant (1).
Genome position (GRCh38, 1-based): chrX:136,209,946, G>C. VCF-style: chrX-136209946-G-C. GRCh37 (hg19) VCF-style: chrX-135292105-G-C.
Other names: c.764G>C, p.Cys255Ser (NM_001159700.2, NM_001159704.1, NM_001369329.1 and 4 more transcripts); c.851G>C, p.Cys284Ser (NM_001159701.2); c.964G>C, p.Ala322Pro (NM_001159702.3, NM_001369326.1, NM_001369327.2 and 1 more transcripts); c.577G>C, p.Ala193Pro (NM_001159703.2); c.625G>C, p.Ala209Pro (NM_001330659.2); short protein forms A322P, C255S, C271S, C284S, A209P, A193P.
Identifiers: ClinVar variation 222635 (VCV000222635.23), dbSNP rs869025431, ClinGen allele CA351843.